The following is an entry in ClinVar:

NC_000007.13:g.(?_128498042)_(128498291_?)dup

Gene: FLNC (filamin C; plus strand). Cytogenetic location: 7q32.1.
Variant type: Duplication.
Identifiers: ClinVar variation 1525805 (VCV001525805.6).

ClinVar aggregate classification (germline): Uncertain significance (1 of 4 stars; one submission).

Conditions:
Myofibrillar myopathy 5. Also called: Filaminopathy (type); FILAMINOPATHY, AUTOSOMAL DOMINANT. Identifiers: Orphanet 171445, MedGen C1836050, MONDO:0012289, OMIM 609524.
Distal myopathy with posterior leg and anterior hand involvement. Also called: WILLIAMS DISTAL MYOPATHY. Identifiers: Orphanet 63273, MedGen C3279722, MONDO:0013550, OMIM 614065.
Hypertrophic cardiomyopathy 26. Also called: Cardiomyopathy, familial hypertrophic, 26. Identifiers: Orphanet 75249, MedGen C4310749, MONDO:0014883, OMIM 617047.
Dilated Cardiomyopathy, Dominant.

Submission:

Labcorp Genetics (formerly Invitae), Labcorp
Classification: Uncertain significance for Distal myopathy with posterior leg and anterior hand involvement; Myofibrillar myopathy 5; Hypertrophic cardiomyopathy 26. Last evaluated: 2021-09-07. Review status: criteria provided, single submitter. Criteria: Invitae Variant Classification Sherloc (09022015). Collection method: clinical testing. Allele origin: germline.
Comment: This variant results in a copy number gain of the genomic region encompassing exon(s) 47 of the FLNC gene. While the exact position of this variant cannot be determined from the data, sub-genic copy number gains are generally in tandem (PMID: 25640679). This variant is predicted to be in-frame, and likely preserves the integrity of the reading frame. This variant has not been reported in the literature in individuals affected with FLNC-related conditions. Experimental studies and prediction algorithms are not available or were not evaluated, and the functional significance of this variant is currently unknown. In summary, the available evidence is currently insufficient to determine the role of this variant in disease. Therefore, it has been classified as a Variant of Uncertain Significance.

Literature cited by the submitters: PubMed 25640679.